The following is an entry in ClinVar:

NM_007194.4(CHEK2):c.1095+2T>C

Gene: CHEK2 (checkpoint kinase 2; minus strand). Cytogenetic location: 22q12.1.
Variant type: single nucleotide variant.
Coding change: c.1095+2T>C on transcript NM_007194.4 (MANE Select); the canonical splice donor site of the intron after coding-DNA position 1095, T replaced by C.
Molecular consequence: splice donor variant. On other transcripts: intron variant (3).
Genome position (GRCh38, 1-based): chr22:28,696,899, A>G on the plus strand (T>C on the coding strand, the complement: CHEK2 is on the minus strand). VCF-style: chr22-28696899-A-G. GRCh37 (hg19) VCF-style: chr22-29092887-A-G.
Other names: c.432+2T>C (NM_001437942.1, NM_001257387.3); c.894+2T>C (NM_001349956.3); c.1009-1026T>C (NM_145862.3); c.1102-1026T>C (NM_001438295.1); c.1188+2T>C (NM_001438293.1); c.1138-1026T>C (NM_001438294.1); c.1224+2T>C (NM_001005735.3).
Identifiers: ClinVar variation 1491378 (VCV001491378.7), dbSNP rs1569115687, ClinGen allele CA411097395.
Genomic context (GRCh38, chr22:28,696,899, plus strand): 5'-AATTAAAAGTTTCTGAACAAGAATCTACAGGAATAGCCACATACAGAATGCCAATTTCTT[A>G]CCTTTATAAGACAGTCCTCTTCTTGAGATGACAGTAAAACATTCTCTGGCTTTAAGTCAC-3'

ClinVar aggregate classification (germline): Likely pathogenic (1 of 4 stars; one submission).

Conditions:
Familial cancer of breast. Also called: BREAST CANCER, FAMILIAL; Hereditary breast cancer; hereditary breast carcinoma. Identifiers: Orphanet 227535, MedGen C0346153, MONDO:0016419, OMIM 114480. Disease mechanism: loss of function.

Submission:

Labcorp Genetics (formerly Invitae), Labcorp
Classification: Likely pathogenic for Familial cancer of breast. Last evaluated: 2021-09-23. Review status: criteria provided, single submitter. Criteria: Invitae Variant Classification Sherloc (09022015). Collection method: clinical testing. Allele origin: germline.
Comment: Algorithms developed to predict the effect of sequence changes on RNA splicing suggest that this variant may disrupt the consensus splice site. This variant has not been reported in the literature in individuals affected with CHEK2-related conditions. This variant is not present in population databases (ExAC no frequency). This sequence change affects a donor splice site in intron 10 of the CHEK2 gene. It is expected to disrupt RNA splicing. Variants that disrupt the donor or acceptor splice site typically lead to a loss of protein function (PMID: 16199547), and loss-of-function variants in CHEK2 are known to be pathogenic (PMID: 21876083, 24713400). In summary, the currently available evidence indicates that the variant is pathogenic, but additional data are needed to prove that conclusively. Therefore, this variant has been classified as Likely Pathogenic.

Literature cited by the submitters: PubMed 16199547; PubMed 21876083; PubMed 24713400.